The following is an entry in ClinVar:

NM_001388464.1(H2BW2):c.24A>G (p.Thr8=)

Gene: H2BW2 (H2B.W histone 2; plus strand). Cytogenetic location: Xq22.2.
Variant type: single nucleotide variant.
Coding change: c.24A>G on transcript NM_001388464.1 (MANE Select); coding-DNA position 24, A replaced by G.
Protein change: p.Thr8=; no amino-acid change (threonine 8 retained).
Molecular consequence: synonymous variant.
Genome position (GRCh38, 1-based): chrX:104,040,018, A>G. VCF-style: chrX-104040018-A-G. GRCh37 (hg19) VCF-style: chrX-103294585-A-G.
Other names: c.24A>G, p.Thr8= (NM_001164416.4).
Identifiers: ClinVar variation 2661107 (VCV002661107.24), dbSNP rs201608628, ClinGen allele CA10479375.

ClinVar aggregate classification (germline): Likely benign (1 of 4 stars; one submission).

Allele frequency attached by ClinVar (database versions not stated): gnomAD 0.00032; gnomAD exomes 0.00035; TOPMed 0.00040; ExAC 0.00193.
gnomAD v4.1: 427 of 1,162,073 alleles (0.037%); highest among the groups gnomAD compares: Middle Eastern, 0.28%; 2 homozygotes.

Submission:

CeGaT Center for Human Genetics Tuebingen
Classification: Likely benign. Last evaluated: 2024-02-01. Review status: criteria provided, single submitter. Criteria: CeGaT Center For Human Genetics Tuebingen Variant Classification Criteria Version 2. Collection method: clinical testing. Allele origin: germline. Affected: yes. Observed: 1 variant allele.
Comment: H2BW2: BP4, BP7, BS2